The following is an entry in ClinVar:

NM_001165963.4(SCN1A):c.4062T>A (p.Cys1354Ter)

Genes: SCN1A (sodium voltage-gated channel alpha subunit 1; minus strand), LOC102724058 (uncharacterized LOC102724058; plus strand). Cytogenetic location: 2q24.3.
Variant type: single nucleotide variant.
Coding change: c.4062T>A on transcript NM_001165963.4 (MANE Select); coding-DNA position 4062, T replaced by A.
Protein change: p.Cys1354Ter; replaces cysteine 1354 with a stop codon.
Molecular consequence: nonsense. On other transcripts: non-coding transcript variant (1).
Genome position (GRCh38, 1-based): chr2:166,002,694, A>T on the plus strand (T>A on the coding strand, the complement: SCN1A is on the minus strand). VCF-style: chr2-166002694-A-T. GRCh37 (hg19) VCF-style: chr2-166859204-A-T.
Other names: c.3975T>A, p.Cys1325Ter (NM_001353960.2); c.1620T>A, p.Cys540Ter (NM_001353961.2); c.4029T>A, p.Cys1343Ter (NM_006920.6, NM_001353949.2, NM_001353950.2 and 2 more transcripts); c.3978T>A, p.Cys1326Ter (NM_001353958.2, NM_001165964.3, NM_001353957.2); c.4062T>A, p.Cys1354Ter (NM_001202435.3, NM_001353948.2); c.4026T>A, p.Cys1342Ter (NM_001353954.2, NM_001353955.2); short protein forms C1342*, C1325*, C1326*, C1343*, C1354*, C540*.
Identifiers: ClinVar variation 3729368 (VCV003729368.2).

ClinVar aggregate classification (germline): Pathogenic (1 of 4 stars; one submission).

Conditions:
Early-infantile DEE. Also called: Early infantile epileptic encephalopathy; Ohtahara syndrome; Early infantile epileptic encephalopathy with suppression bursts. Identifiers: Orphanet 1934, MedGen C0393706, MONDO:0800491.

Submission:

Labcorp Genetics (formerly Invitae), Labcorp
Classification: Pathogenic for Early-infantile DEE. Last evaluated: 2025-01-22. Review status: criteria provided, single submitter. Criteria: Invitae Variant Classification Sherloc (09022015). Collection method: clinical testing. Allele origin: germline.
Comment: This sequence change creates a premature translational stop signal (p.Cys1354*) in the SCN1A gene. It is expected to result in an absent or disrupted protein product. Loss-of-function variants in SCN1A are known to be pathogenic (PMID: 17347258, 18930999). This variant is not present in population databases (gnomAD no frequency). This variant has not been reported in the literature in individuals affected with SCN1A-related conditions. For these reasons, this variant has been classified as Pathogenic.

Literature cited by the submitters: PubMed 17347258; PubMed 18930999.